The following is an entry in ClinVar:

NM_031407.7(HUWE1):c.10858C>G (p.Leu3620Val)

Gene: HUWE1 (HECT, UBA and WWE domain containing E3 ubiquitin protein ligase 1; minus strand). Cytogenetic location: Xp11.22.
Variant type: single nucleotide variant.
Coding change: c.10858C>G on transcript NM_031407.7 (MANE Select); coding-DNA position 10858, C replaced by G.
Protein change: p.Leu3620Val; replaces leucine 3620 with valine.
Molecular consequence: missense variant.
Genome position (GRCh38, 1-based): chrX:53,546,493, G>C on the plus strand (C>G on the coding strand, the complement: HUWE1 is on the minus strand). VCF-style: chrX-53546493-G-C. GRCh37 (hg19) VCF-style: chrX-53573454-G-C.
Other names: c.10855C>G, p.Leu3619Val (NM_001441048.1, NM_001441051.1, NM_001441053.1 and 2 more transcripts); c.10858C>G, p.Leu3620Val (NM_001441049.1, NM_001441054.1, NM_001441057.1); c.10879C>G, p.Leu3627Val (NM_001441050.1, NM_001441055.1); c.10456C>G, p.Leu3486Val (NM_001441052.1); short protein forms L3486V, L3619V, L3620V, L3627V.
Identifiers: ClinVar variation 4690055 (VCV004690055.1).

ClinVar aggregate classification (germline): Uncertain significance (1 of 4 stars; one submission).

gnomAD v4.1: 1 of 1,210,820 alleles (0.000083%); highest among the groups gnomAD compares: Non-Finnish European, 0.00011%; no homozygotes.

Submission:

GeneDx
Classification: Uncertain significance. Last evaluated: 2025-07-29. Review status: criteria provided, single submitter. Criteria: GeneDx Variant Classification Process June 2021. Collection method: clinical testing. Allele origin: germline. Affected: yes.
Comment: Not observed at significant frequency in large population cohorts (gnomAD); In silico analysis supports that this missense variant has a deleterious effect on protein structure/function; Has not been previously published as pathogenic or benign to our knowledge